The following is an entry in ClinVar:

NM_006785.4(MALT1):c.2459_2469delinsTAATTTCTGTC (p.Arg820_Glu823delinsIleIleSerVal)

Gene: MALT1 (MALT1 paracaspase; plus strand). Cytogenetic location: 18q21.32.
Variant type: Indel.
Coding change: c.2459_2469delinsTAATTTCTGTC on transcript NM_006785.4 (MANE Select); coding-DNA positions 2459 to 2469, GAATTTCTGAA replaced by TAATTTCTGTC.
Protein change: p.Arg820_Glu823delinsIleIleSerVal.
Molecular consequence: missense variant.
Genome position (GRCh38, 1-based): chr18:58,747,826-58,747,836, GAATTTCTGAA replaced by TAATTTCTGTC. VCF-style: chr18-58747826-GAATTTCTGAA-TAATTTCTGTC. GRCh37 (hg19) VCF-style: chr18-56415058-GAATTTCTGAA-TAATTTCTGTC.
Other names: c.2426_2436delinsTAATTTCTGTC, p.Arg809_Glu812delinsIleIleSerVal (NM_173844.3).
Identifiers: ClinVar variation 3235043 (VCV003235043.1), dbSNP rs2511572828, ClinGen allele CA2825002715.

ClinVar aggregate classification (germline): Uncertain significance (1 of 4 stars; one submission).

Conditions:
Combined immunodeficiency due to MALT1 deficiency. Also called: Immunodeficiency 12. Identifiers: Orphanet 397964, MedGen C3809583, MONDO:0014197, OMIM 615468.

Submission:

Neuberg Centre For Genomic Medicine, NCGM
Classification: Uncertain significance for Combined immunodeficiency due to MALT1 deficiency. Review status: criteria provided, single submitter. Criteria: ACMG Guidelines, 2015. Collection method: clinical testing. Allele origin: germline. Inheritance: Autosomal recessive inheritance. Affected: yes.
Comment: The deletion insertion variant c.2459_2469delinsTAATTTCTGTC p.Arg820_Glu823delinsIleIleSerVal in MALT1 gene has not been reported previously as a pathogenic variant nor as a benign variant, to our knowledge. The variant is novel not in any individuals in gnomAD Exomes and 1000 Genomes. This variant results in the deletion of the amino acid Arginine at position 820 and Glutamic acid at position 823 and insertion of two Isoleucine residues, a Serine and a Valine. The variant is predicted to be damaging by SIFT. The amino acid change p.Arg820_Glu823delinsIleIleSerVal in MALT1 is predicted as conserved by GERP++ and PhyloP across 100 vertebrates. For these reasons, this variant has been classified as Uncertain Significance.